The following is an entry in ClinVar:

ClinVar aggregate classification (germline): Uncertain significance. Review status: criteria provided, multiple submitters, no conflicts (2 of 4 stars). 3 submissions from 3 submitters: Uncertain significance (3). Last evaluated 2025-10-07.

Conditions:
Catecholaminergic polymorphic ventricular tachycardia (CVPT). Also called: Catecholamine-induced polymorphic ventricular tachycardia. Identifiers: Orphanet 3286, MedGen C5574922, MONDO:0017990.
Catecholaminergic polymorphic ventricular tachycardia 1. Also called: VENTRICULAR TACHYCARDIA, CATECHOLAMINERGIC POLYMORPHIC, 1, WITH OR WITHOUT ATRIAL DYSFUNCTION AND/OR DILATED CARDIOMYOPATHY; RYR2-Related Catecholaminergic Polymorphic Ventricular Tachycardia; VENTRICULAR TACHYCARDIA, STRESS-INDUCED POLYMORPHIC 1. Identifiers: Orphanet 3286, MedGen C1631597, MONDO:0011484, OMIM 604772.

Allele frequency attached by ClinVar (database versions not stated): gnomAD exomes below 0.00001; TOPMed below 0.00001; ExAC 0.00001; gnomAD 0.00001.
gnomAD v4.1: 3 of 1,613,044 alleles (0.00019%); highest among the groups gnomAD compares: African/African-American, 0.0013%; no homozygotes.

Submissions (3):

Labcorp Genetics (formerly Invitae), Labcorp
Classification: Uncertain significance for Catecholaminergic polymorphic ventricular tachycardia 1. Last evaluated: 2025-10-07. Review status: criteria provided, single submitter. Criteria: Invitae Variant Classification Sherloc (09022015). Collection method: clinical testing. Allele origin: germline.
Comment: This sequence change replaces arginine, which is basic and polar, with cysteine, which is neutral and slightly polar, at codon 1303 of the RYR2 protein (p.Arg1303Cys). The frequency data for this variant in the population databases is considered unreliable, as metrics indicate poor data quality at this position in the gnomAD database. This variant has not been reported in the literature in individuals affected with RYR2-related conditions. ClinVar contains an entry for this variant (Variation ID: 3072648). Invitae Evidence Modeling of protein sequence and biophysical properties (such as structural, functional, and spatial information, amino acid conservation, physicochemical variation, residue mobility, and thermodynamic stability) indicates that this missense variant is expected to disrupt RYR2 protein function with a positive predictive value of 95%. In summary, the available evidence is currently insufficient to determine the role of this variant in disease. Therefore, it has been classified as a Variant of Uncertain Significance.

GeneDx
Classification: Uncertain significance. Last evaluated: 2024-01-02. Review status: criteria provided, single submitter. Criteria: GeneDx Variant Classification Process June 2021. Collection method: clinical testing. Allele origin: germline. Affected: yes.
Comment: Not observed at significant frequency in large population cohorts (gnomAD); In silico analysis supports that this missense variant has a deleterious effect on protein structure/function; Has not been previously published as pathogenic or benign to our knowledge; This variant is associated with the following publications: (PMID: 19926015)

All of Us Research Program, National Institutes of Health
Classification: Uncertain significance for Catecholaminergic polymorphic ventricular tachycardia. Last evaluated: 2023-08-15. Review status: criteria provided, single submitter. Criteria: ACMG Guidelines, 2015. Collection method: clinical testing. Allele origin: germline. Inheritance: Autosomal dominant inheritance. Observed: 1 variant allele, 1 heterozygote.
Comment: This study involves interpretation of variants in research participants for the purpose of population health screening. Participant phenotype was not available at the time of variant classification. Additional details can be found in publication PMID: 35346344, PMCID: PMC8962531

NM_001035.3(RYR2):c.3907C>T (p.Arg1303Cys)

Genes: RYR2 (ryanodine receptor 2; plus strand), LOC126806067 (BRD4-independent group 4 enhancer GRCh37_chr1:237753258-237754457; plus strand). Cytogenetic location: 1q43.
Variant type: single nucleotide variant.
Coding change: c.3907C>T on transcript NM_001035.3 (MANE Select); coding-DNA position 3907, C replaced by T.
Protein change: p.Arg1303Cys; replaces arginine 1303 with cysteine.
Molecular consequence: missense variant.
Genome position (GRCh38, 1-based): chr1:237,590,739, C>T. VCF-style: chr1-237590739-C-T. GRCh37 (hg19) VCF-style: chr1-237754039-C-T.
Other names: c.3907C>T (NM_001035.2); short protein forms R1303C.
Identifiers: ClinVar variation 3072648 (VCV003072648.3), dbSNP rs774403167, ClinGen allele CA086497.